The following is an entry in ClinVar:

NM_152564.5(VPS13B):c.4711C>T (p.Leu1571Phe)

Gene: VPS13B (vacuolar protein sorting 13 homolog B; plus strand). Cytogenetic location: 8q22.2.
Variant type: single nucleotide variant.
Coding change: c.4711C>T on transcript NM_152564.5 (MANE Select); coding-DNA position 4711, C replaced by T.
Protein change: p.Leu1571Phe; replaces leucine 1571 with phenylalanine.
Molecular consequence: missense variant.
Genome position (GRCh38, 1-based): chr8:99,520,976, C>T. VCF-style: chr8-99520976-C-T. GRCh37 (hg19) VCF-style: chr8-100533204-C-T.
Other names: c.4786C>T, p.Leu1596Phe (NM_017890.5); short protein forms L1596F, L1571F.
Identifiers: ClinVar variation 653368 (VCV000653368.7), dbSNP rs1481675275, ClinGen allele CA371866541.

ClinVar aggregate classification (germline): Uncertain significance (1 of 4 stars; one submission).

Conditions:
Cohen syndrome (COH1). Also called: PEPPER SYNDROME; Cutis verticis gyrata, retinitis pigmentosa, and sensorineural deafness. Identifiers: Orphanet 193, MedGen C0265223, MONDO:0008999, OMIM 216550.

Allele frequency attached by ClinVar (database versions not stated): gnomAD 0.00001; gnomAD exomes 0.00001; TOPMed 0.00001.
gnomAD v4.1: 10 of 1,613,624 alleles (0.00062%); highest among the groups gnomAD compares: Non-Finnish European, 0.00085%; no homozygotes.

Submission:

Labcorp Genetics (formerly Invitae), Labcorp
Classification: Uncertain significance for Cohen syndrome. Last evaluated: 2024-02-24. Review status: criteria provided, single submitter. Criteria: Invitae Variant Classification Sherloc (09022015). Collection method: clinical testing. Allele origin: germline.
Comment: This sequence change replaces leucine, which is neutral and non-polar, with phenylalanine, which is neutral and non-polar, at codon 1596 of the VPS13B protein (p.Leu1596Phe). This variant is present in population databases (no rsID available, gnomAD 0.007%). This variant has not been reported in the literature in individuals affected with VPS13B-related conditions. ClinVar contains an entry for this variant (Variation ID: 653368). Advanced modeling of protein sequence and biophysical properties (such as structural, functional, and spatial information, amino acid conservation, physicochemical variation, residue mobility, and thermodynamic stability) performed at Invitae indicates that this missense variant is expected to disrupt VPS13B protein function with a positive predictive value of 80%. In summary, the available evidence is currently insufficient to determine the role of this variant in disease. Therefore, it has been classified as a Variant of Uncertain Significance.